The following is an entry in ClinVar:

ClinVar aggregate classification (germline): Uncertain significance (1 of 4 stars; one submission).

Conditions:
Hereditary cancer-predisposing syndrome. Also called: Neoplastic Syndromes, Hereditary; Tumor predisposition; Hereditary neoplastic syndrome; Hereditary Cancer Syndrome. Identifiers: Orphanet 140162, MedGen C0027672, MeSH D009386, MONDO:0015356.

Submission:

Ambry Genetics
Classification: Uncertain significance for Hereditary cancer-predisposing syndrome. Last evaluated: 2026-07-06. Review status: criteria provided, single submitter. Criteria: Ambry Variant Classification Scheme 2023. Collection method: clinical testing. Allele origin: germline.
Comment: The p.P84T variant (also known as c.250C>A), located in coding exon 2 of the PRKAR1A gene, results from a C to A substitution at nucleotide position 250. The proline at codon 84 is replaced by threonine, an amino acid with highly similar properties. This amino acid position is conserved. In addition, this alteration is predicted to be deleterious by in silico analysis. Based on the available evidence, the clinical significance of this variant remains unclear.

NM_002734.5(PRKAR1A):c.250C>A (p.Pro84Thr)

Gene: PRKAR1A (protein kinase cAMP-dependent type I regulatory subunit alpha; plus strand). Cytogenetic location: 17q24.2.
Variant type: single nucleotide variant.
Coding change: c.250C>A on transcript NM_002734.5 (MANE Select); coding-DNA position 250, C replaced by A.
Protein change: p.Pro84Thr; replaces proline 84 with threonine.
Molecular consequence: missense variant.
Genome position (GRCh38, 1-based): chr17:68,522,828, C>A. VCF-style: chr17-68522828-C-A. GRCh37 (hg19) VCF-style: chr17-66518969-C-A.
Other names: c.250C>A, p.Pro84Thr (NM_001276289.2, NM_001276290.1, NM_001278433.2 and 4 more transcripts); short protein forms P84T.
Identifiers: ClinVar variation 5027319 (VCV005027319.1).